The following is an entry in ClinVar:

NM_006306.4(SMC1A):c.2456T>G (p.Ile819Ser)

Gene: SMC1A (structural maintenance of chromosomes 1A; minus strand). Cytogenetic location: Xp11.22.
Variant type: single nucleotide variant.
Coding change: c.2456T>G on transcript NM_006306.4 (MANE Select); coding-DNA position 2456, T replaced by G.
Protein change: p.Ile819Ser; replaces isoleucine 819 with serine.
Molecular consequence: missense variant.
Genome position (GRCh38, 1-based): chrX:53,399,695, A>C on the plus strand (T>G on the coding strand, the complement: SMC1A is on the minus strand). VCF-style: chrX-53399695-A-C. GRCh37 (hg19) VCF-style: chrX-53426617-A-C.
Other names: c.2390T>G, p.Ile797Ser (NM_001281463.1); short protein forms I819S, I797S.
Identifiers: ClinVar variation 159951 (VCV000159951.15), dbSNP rs587784413, ClinGen allele CA173510.

ClinVar aggregate classification (germline): Conflicting classifications of pathogenicity. Review status: criteria provided, conflicting classifications (1 of 4 stars). 2 submissions from 2 submitters: Uncertain significance (1); Likely benign (1). Last evaluated 2020-01-13.

Conditions:
Congenital muscular hypertrophy-cerebral syndrome (CDLS2). Also called: SMC1A-Related Cornelia de Lange Syndrome; Cornelia de Lange syndrome 2. Identifiers: Orphanet 199, MedGen C1802395, MONDO:0010370, OMIM 300590.

Submissions (2):

Labcorp Genetics (formerly Invitae), Labcorp
Classification: Uncertain significance for Congenital muscular hypertrophy-cerebral syndrome. Last evaluated: 2020-01-13. Review status: criteria provided, single submitter. Criteria: Invitae Variant Classification Sherloc (09022015). Collection method: clinical testing. Allele origin: germline.
Comment: This sequence change replaces isoleucine with serine at codon 819 of the SMC1A protein (p.Ile819Ser). The isoleucine residue is moderately conserved and there is a large physicochemical difference between isoleucine and serine. This variant is not present in population databases (ExAC no frequency). This variant has not been reported in the literature in individuals with SMC1A-related conditions. ClinVar contains an entry for this variant (Variation ID: 159951). Algorithms developed to predict the effect of missense changes on protein structure and function (SIFT, PolyPhen-2, Align-GVGD) all suggest that this variant is likely to be tolerated, but these predictions have not been confirmed by published functional studies and their clinical significance is uncertain. In summary, the available evidence is currently insufficient to determine the role of this variant in disease. Therefore, it has been classified as a Variant of Uncertain Significance.

Genetic Services Laboratory, University of Chicago
Classification: Likely benign. Last evaluated: 2013-02-08. Review status: criteria provided, single submitter. Criteria: ACMG Guidelines, 2007. Collection method: clinical testing. Allele origin: germline. Inheritance: X-linked inheritance.